The following is an entry in ClinVar:

NM_000051.4(ATM):c.2036G>T (p.Gly679Val)

Gene: ATM (ATM serine/threonine kinase; plus strand). Cytogenetic location: 11q22.3.
Variant type: single nucleotide variant.
Coding change: c.2036G>T on transcript NM_000051.4 (MANE Select); coding-DNA position 2036, G replaced by T.
Protein change: p.Gly679Val; replaces glycine 679 with valine.
Molecular consequence: missense variant.
Genome position (GRCh38, 1-based): chr11:108,253,951, G>T. VCF-style: chr11-108253951-G-T. GRCh37 (hg19) VCF-style: chr11-108124678-G-T.
Other names: c.2036G>T, p.Gly679Val (NM_001351834.2); short protein forms G679V.
Identifiers: ClinVar variation 232113 (VCV000232113.27), dbSNP rs544123518, ClinGen allele CA6264919.

ClinVar aggregate classification (germline): Uncertain significance. Review status: criteria provided, multiple submitters, no conflicts (2 of 4 stars). 7 submissions from 7 submitters: Uncertain significance (6). 1 of the submissions does not count toward it. Last evaluated 2026-02-03.

Conditions:
Hereditary cancer-predisposing syndrome. Also called: Hereditary Cancer Syndrome; Neoplastic Syndromes, Hereditary; Tumor predisposition; Hereditary neoplastic syndrome. Identifiers: Orphanet 140162, MedGen C0027672, MeSH D009386, MONDO:0015356.
Ataxia-telangiectasia syndrome (AT). Also called: Ataxia telangiectasia (A-T); Ataxia-telangiectasia, complementation group E; LOUIS-BAR SYNDROME; Cerebello-oculocutaneous telangiectasia; Immunodeficiency with ataxia telangiectasia; Ataxia-telangiectasia, complementation group D. Identifiers: Orphanet 100, MedGen C0004135, MONDO:0008840, OMIM 208900.
Familial cancer of breast. Also called: Hereditary breast cancer; hereditary breast carcinoma; BREAST CANCER, FAMILIAL. Identifiers: Orphanet 227535, MedGen C0346153, MONDO:0016419, OMIM 114480. Disease mechanism: loss of function.

Allele frequency attached by ClinVar (database versions not stated): ExAC 0.00001; gnomAD exomes 0.00001 and 0.00002.
gnomAD v4.1: 5 of 1,614,054 alleles (0.00031%); highest among the groups gnomAD compares: Admixed American, 0.0083%; no homozygotes.

Submissions (7):

Labcorp Genetics (formerly Invitae), Labcorp
Classification: Uncertain significance for Ataxia-telangiectasia syndrome. Last evaluated: 2026-02-03. Review status: criteria provided, single submitter. Criteria: Invitae Variant Classification Sherloc (09022015). Collection method: clinical testing. Allele origin: germline.
Comment: This sequence change replaces glycine, which is neutral and non-polar, with valine, which is neutral and non-polar, at codon 679 of the ATM protein (p.Gly679Val). This variant is present in population databases (rs544123518, gnomAD 0.01%). This variant has not been reported in the literature in individuals affected with ATM-related conditions. ClinVar contains an entry for this variant (Variation ID: 232113). Invitae Evidence Modeling of protein sequence and biophysical properties (such as structural, functional, and spatial information, amino acid conservation, physicochemical variation, residue mobility, and thermodynamic stability) indicates that this missense variant is not expected to disrupt ATM protein function with a negative predictive value of 95%. RNA analysis performed to evaluate the impact of this missense change on mRNA splicing indicates it does not significantly alter splicing (internal data). In summary, the available evidence is currently insufficient to determine the role of this variant in disease. Therefore, it has been classified as a Variant of Uncertain Significance.

Ambry Genetics
Classification: Uncertain significance for Hereditary cancer-predisposing syndrome. Last evaluated: 2025-05-17. Review status: criteria provided, single submitter. Criteria: Ambry Variant Classification Scheme 2023. Collection method: clinical testing. Allele origin: germline.
Comment: The p.G679V variant (also known as c.2036G>T), located in coding exon 12 of the ATM gene, results from a G to T substitution at nucleotide position 2036. The glycine at codon 679 is replaced by valine, an amino acid with dissimilar properties. This amino acid position is not well conserved in available vertebrate species. In addition, this alteration is predicted to be tolerated by in silico analysis. Since supporting evidence is limited at this time, the clinical significance of this alteration remains unclear.

Women's Health and Genetics/Laboratory Corporation of America, LabCorp
Classification: Uncertain significance. Last evaluated: 2025-05-12. Review status: criteria provided, single submitter. Criteria: LabCorp Variant Classification Summary - May 2015. Collection method: clinical testing. Allele origin: germline.
Comment: Variant summary: ATM c.2036G>T (p.Gly679Val) results in a non-conservative amino acid change in the encoded protein sequence. Algorithms developed to predict the effect of missense changes on protein structure and function are either unavailable or do not agree on the potential impact of this missense change. The variant allele was found at a frequency of 1.6e-05 in 251398 control chromosomes. The available data on variant occurrences in the general population are insufficient to allow any conclusion about variant significance. c.2036G>T has been observed in individual(s) with colorectal cancer and one individual with pediatric astrocytoma (Ricker_2017, Muskens_2020). These report(s) do not provide unequivocal conclusions about association of the variant with Ataxia-Telangiectasia. To our knowledge, no experimental evidence demonstrating an impact on protein function has been reported. The following publications have been ascertained in the context of this evaluation (PMID: 28640387, 31970404).ClinVar contains an entry for this variant (Variation ID: 232113). Based on the evidence outlined above, the variant was classified as uncertain significance.

GeneDx
Classification: Uncertain significance. Last evaluated: 2023-03-15. Review status: criteria provided, single submitter. Criteria: GeneDx Variant Classification Process June 2021. Collection method: clinical testing. Allele origin: germline. Affected: yes.
Comment: Not observed at significant frequency in large population cohorts (gnomAD); In silico analysis supports that this missense variant does not alter protein structure/function; In silico analysis suggests this variant may impact gene splicing. In the absence of RNA/functional studies, the actual effect of this sequence change is unknown.; Observed in a pediatric patient with astrocytoma, as well as in an individual with colorectal cancer who also harbored a pathogenic variant in APC (Ricker et al., 2017; Muskens et al., 2020); This variant is associated with the following publications: (PMID: 28640387, 31970404)

Color Diagnostics, LLC DBA Color Health
Classification: Uncertain significance for Hereditary cancer-predisposing syndrome. Last evaluated: 2020-12-22. Review status: criteria provided, single submitter. Criteria: ACMG Guidelines, 2015. Collection method: clinical testing. Allele origin: germline.
Comment: This missense variant replaces glycine with valine at codon 679 of the ATM protein. Computational prediction suggests that this variant may not impact protein structure and function (internally defined REVEL score threshold <= 0.5, PMID: 27666373). To our knowledge, functional studies have not been reported for this variant. This variant has not been reported in individuals affected with hereditary cancer in the literature. This variant has been identified in 4/251398 chromosomes in the general population by the Genome Aggregation Database (gnomAD). The available evidence is insufficient to determine the role of this variant in disease conclusively. Therefore, this variant is classified as a Variant of Uncertain Significance.

Fulgent Genetics
Classification: Uncertain significance for Familial cancer of breast; Ataxia-telangiectasia syndrome. Last evaluated: 2018-10-31. Review status: criteria provided, single submitter. Criteria: ACMG Guidelines, 2015. Collection method: clinical testing. Allele origin: unknown.

Natera, Inc.
Classification: Uncertain significance for Ataxia-telangiectasia. Last evaluated: 2020-02-11. Review status: no assertion criteria provided. Collection method: clinical testing. Allele origin: germline. Not counted in ClinVar's aggregate classification.

Literature cited by the submitters: PubMed 28640387 (cited by Women's Health and Genetics/Laboratory Corporation of America, LabCorp); PubMed 31970404 (cited by Women's Health and Genetics/Laboratory Corporation of America, LabCorp).